The following is an entry in ClinVar:

NM_005732.4(RAD50):c.3752+1G>A

Genes: RAD50 (RAD50 double strand break repair protein; plus strand), TH2-LCR (Th2 cytokine locus control region; plus strand), TH2LCRR (T helper type 2 locus control region associated RNA; minus strand). Cytogenetic location: 5q31.1.
Variant type: single nucleotide variant.
Coding change: c.3752+1G>A on transcript NM_005732.4 (MANE Select); the canonical splice donor site of the intron after coding-DNA position 3752, G replaced by A.
Molecular consequence: splice donor variant.
Genome position (GRCh38, 1-based): chr5:132,640,806, G>A. VCF-style: chr5-132640806-G-A. GRCh37 (hg19) VCF-style: chr5-131976498-G-A.
Identifiers: ClinVar variation 2678155 (VCV002678155.3), dbSNP rs2149865895, ClinGen allele CA360935138.

ClinVar aggregate classification (germline): Likely pathogenic. Review status: criteria provided, multiple submitters, no conflicts (2 of 4 stars). 2 submissions from 2 submitters: Likely pathogenic (2). Last evaluated 2025-06-15.

Conditions:
Nijmegen breakage syndrome-like disorder (NBSLD). Also called: MICROCEPHALY AND SPONTANEOUS CHROMOSOME INSTABILITY WITHOUT IMMUNODEFICIENCY; NBS-LIKE DISORDER; RAD50 DEFICIENCY. Identifiers: Orphanet 240760, MedGen C2751318, MONDO:0013118, OMIM 613078.

Allele frequency attached by ClinVar (database versions not stated): gnomAD exomes below 0.00001.
gnomAD v4.1: 1 of 1,613,192 alleles (0.000062%); highest among the groups gnomAD compares: Non-Finnish European, 0.000085%; no homozygotes.

Submissions (2):

Dasa
Classification: Likely pathogenic. Last evaluated: 2025-06-15. Review status: criteria provided, single submitter. Criteria: DASA Assertion Criteria. Collection method: clinical testing. Allele origin: germline.
Comment: NM_005732.4(RAD50):c.3752+1G>A affects a canonical splice site and is predicted to disrupt normal RNA splicing. Loss of function is an established disease mechanism for RAD50-associated disorders. This variant has been reported in individuals with RAD50-related disorders. Also, this variant is rare in population databases. Based on the currently available evidence, this variant is classified as likely pathogenic.

Baylor Genetics
Classification: Likely pathogenic for Nijmegen breakage syndrome-like disorder. Last evaluated: 2022-10-17. Review status: criteria provided, single submitter. Criteria: ACMG Guidelines, 2015. Collection method: clinical testing. Allele origin: unknown.